The following is an entry in ClinVar:

NM_001135022.2(ELMOD3):c.772A>G (p.Thr258Ala)

Gene: ELMOD3 (ELMO domain containing 3; plus strand). Cytogenetic location: 2p11.2.
Variant type: single nucleotide variant.
Coding change: c.772A>G on transcript NM_001135022.2 (MANE Select); coding-DNA position 772, A replaced by G.
Protein change: p.Thr258Ala; replaces threonine 258 with alanine.
Molecular consequence: missense variant. On other transcripts: non-coding transcript variant (3).
Genome position (GRCh38, 1-based): chr2:85,389,784, A>G. VCF-style: chr2-85389784-A-G. GRCh37 (hg19) VCF-style: chr2-85616907-A-G.
Other names: c.772A>G, p.Thr258Ala (NM_001135021.2, NM_001135023.2, NM_001329791.2 and 2 more transcripts); short protein forms T258A.
Identifiers: ClinVar variation 1354731 (VCV001354731.8), dbSNP rs2104751810, ClinGen allele CA347455905.

ClinVar aggregate classification (germline): Uncertain significance (1 of 4 stars; one submission).

Submission:

Labcorp Genetics (formerly Invitae), Labcorp
Classification: Uncertain significance. Last evaluated: 2024-10-17. Review status: criteria provided, single submitter. Criteria: Invitae Variant Classification Sherloc (09022015). Collection method: clinical testing. Allele origin: germline.
Comment: This sequence change replaces threonine, which is neutral and polar, with alanine, which is neutral and non-polar, at codon 258 of the ELMOD3 protein (p.Thr258Ala). This variant is not present in population databases (gnomAD no frequency). This variant has not been reported in the literature in individuals affected with ELMOD3-related conditions. ClinVar contains an entry for this variant (Variation ID: 1354731). Invitae Evidence Modeling of protein sequence and biophysical properties (such as structural, functional, and spatial information, amino acid conservation, physicochemical variation, residue mobility, and thermodynamic stability) has been performed for this missense variant. However, the output from this modeling did not meet the statistical confidence thresholds required to predict the impact of this variant on ELMOD3 protein function. In summary, the available evidence is currently insufficient to determine the role of this variant in disease. Therefore, it has been classified as a Variant of Uncertain Significance.